The following is an entry in ClinVar:

NM_001177316.2(SLC34A3):c.1389G>A (p.Leu463=)

Gene: SLC34A3 (solute carrier family 34 member 3; plus strand). Cytogenetic location: 9q34.3.
Variant type: single nucleotide variant.
Coding change: c.1389G>A on transcript NM_001177316.2 (MANE Select); coding-DNA position 1389, G replaced by A.
Protein change: p.Leu463=; no amino-acid change (leucine 463 retained).
Molecular consequence: synonymous variant.
Genome position (GRCh38, 1-based): chr9:137,236,005, G>A. VCF-style: chr9-137236005-G-A. GRCh37 (hg19) VCF-style: chr9-140130457-G-A.
Other names: c.1389G>A, p.Leu463= (NM_001177317.2, NM_080877.3).
Identifiers: ClinVar variation 3068801 (VCV003068801.2), dbSNP rs771534596, ClinGen allele CA467942234.

ClinVar aggregate classification (germline): Uncertain significance (1 of 4 stars; one submission).

Submission:

Women's Health and Genetics/Laboratory Corporation of America, LabCorp
Classification: Uncertain significance. Last evaluated: 2024-02-16. Review status: criteria provided, single submitter. Criteria: LabCorp Variant Classification Summary - May 2015. Collection method: clinical testing. Allele origin: germline.
Comment: Variant summary: SLC34A3 c.1389G>A alters a non-conserved nucleotide resulting in a synonymous change. Several computational tools predict a significant impact on normal splicing: Two predict the variant creates a 3' acceptor site. One predict the variant no significant impact on splicing. However, these predictions have yet to be confirmed by functional studies. The variant was absent in 246948 control chromosomes. The available data on variant occurrences in the general population are insufficient to allow any conclusion about variant significance. To our knowledge, no occurrence of c.1389G>A in individuals affected with Hereditary Hypophosphatemic Rickets With Hypercalciuria and no experimental evidence demonstrating its impact on protein function have been reported. No submitters have cited clinical-significance assessments for this variant to ClinVar. Based on the evidence outlined above, the variant was classified as uncertain significance.